The following is an entry in ClinVar:

NM_002691.4(POLD1):c.971-35C>T

Gene: POLD1 (DNA polymerase delta 1, catalytic subunit; plus strand). Cytogenetic location: 19q13.33.
Variant type: single nucleotide variant.
Coding change: c.971-35C>T on transcript NM_002691.4 (MANE Select); 35 bases into the intron before coding-DNA position 971, C replaced by T.
Molecular consequence: intron variant.
Genome position (GRCh38, 1-based): chr19:50,403,018, C>T. VCF-style: chr19-50403018-C-T. GRCh37 (hg19) VCF-style: chr19-50906275-C-T.
Other names: NC_000019.9:g.50906275C>T; c.971-35C>T (NM_001256849.1, NM_001308632.1).
Identifiers: ClinVar variation 676640 (VCV000676640.7), dbSNP rs56368556, ClinGen allele CA9595989.

ClinVar aggregate classification (germline): Benign/Likely benign. Review status: criteria provided, multiple submitters, no conflicts (2 of 4 stars). 2 submissions from 2 submitters: Benign (1); Likely benign (1). Last evaluated 2025-03-04.

Allele frequency attached by ClinVar (database versions not stated): gnomAD exomes 0.00259 and 0.00094; 1000 Genomes Project 0.00978; ExAC 0.00523; 1000 Genomes Project 30x 0.00999; ESP Exome Variant Server 0.01114; TOPMed 0.01159; gnomAD 0.01018 and 0.01086.
gnomAD v4.1: 2,903 of 1,550,178 alleles (0.19%); highest among the groups gnomAD compares: African/African-American, 3.5%; 40 homozygotes.

Submissions (3):

Center for Genomic Medicine, Rigshospitalet, Copenhagen University Hospital
Classification: Benign. Last evaluated: 2025-03-04. Review status: criteria provided, single submitter. Criteria: ACMG Guidelines, 2015. Collection method: clinical testing. Allele origin: germline.

GeneDx
Classification: Likely benign. Last evaluated: 2018-06-16. Review status: criteria provided, single submitter. Criteria: GeneDx Variant Classification (06012015). Collection method: clinical testing. Allele origin: germline. Affected: yes.
Comment: This variant is considered likely benign or benign based on one or more of the following criteria: it is a conservative change, it occurs at a poorly conserved position in the protein, it is predicted to be benign by multiple in silico algorithms, and/or has population frequency not consistent with disease.

Dr. Peter K. Rogan Lab, Western University
No classification provided (evidence only). Condition: Sarcoma. Review status: no classification provided. Collection method: in vitro. Allele origin: not applicable. Functional consequence: retained intron. Not counted in ClinVar's aggregate classification.